The following is an entry in ClinVar:

ClinVar aggregate classification (germline): Benign/Likely benign. Review status: criteria provided, multiple submitters, no conflicts (2 of 4 stars). 4 submissions from 4 submitters: Benign (1); Likely benign (2). 1 of the submissions does not count toward it. Last evaluated 2025-01-13.

Conditions:
P4HB-related disorder. Also called: P4HB-related condition.
Cole-Carpenter syndrome 1 (CLCRP1). Also called: BONE FRAGILITY WITH CRANIOSYNOSTOSIS, OCULAR PROPTOSIS, HYDROCEPHALUS, AND DISTINCTIVE FACIAL FEATURES. Identifiers: Orphanet 2050, MedGen C4317154, MONDO:0007204, OMIM 112240.

Allele frequency attached by ClinVar (database versions not stated): gnomAD 0.00009 and 0.00010; TOPMed 0.00014; ESP Exome Variant Server 0.00015; ExAC 0.00026; gnomAD exomes 0.00026.

Submissions (4):

Labcorp Genetics (formerly Invitae), Labcorp
Classification: Benign. Last evaluated: 2025-01-13. Review status: criteria provided, single submitter. Criteria: Invitae Variant Classification Sherloc (09022015). Collection method: clinical testing. Allele origin: germline.

Blueprint Genetics
Classification: Likely benign. Last evaluated: 2024-11-19. Review status: criteria provided, single submitter. Criteria: ACMG Guidelines, 2015. Collection method: clinical testing. Allele origin: germline.

Fulgent Genetics
Classification: Likely benign for Cole-Carpenter syndrome 1. Last evaluated: 2022-03-10. Review status: criteria provided, single submitter. Criteria: ACMG Guidelines, 2015. Collection method: clinical testing. Allele origin: unknown.

PreventionGenetics, part of Exact Sciences
Classification: Likely benign for P4HB-related condition. Last evaluated: 2024-09-09. Review status: no assertion criteria provided. Collection method: clinical testing. Allele origin: germline. Not counted in ClinVar's aggregate classification.
Comment: This variant is classified as likely benign based on ACMG/AMP sequence variant interpretation guidelines (Richards et al. 2015 PMID: 25741868, with internal and published modifications).

NM_000918.4(P4HB):c.430G>A (p.Ala144Thr)

Gene: P4HB (prolyl 4-hydroxylase subunit beta; minus strand). Cytogenetic location: 17q25.3.
Variant type: single nucleotide variant.
Coding change: c.430G>A on transcript NM_000918.4 (MANE Select); coding-DNA position 430, G replaced by A.
Protein change: p.Ala144Thr; replaces alanine 144 with threonine.
Molecular consequence: missense variant.
Genome position (GRCh38, 1-based): chr17:81,855,509, C>T on the plus strand (G>A on the coding strand, the complement: P4HB is on the minus strand). VCF-style: chr17-81855509-C-T. GRCh37 (hg19) VCF-style: chr17-79813385-C-T.
Other names: c.430G>A (NM_000918.3); short protein forms A144T.
Identifiers: ClinVar variation 1165301 (VCV001165301.10), dbSNP rs138621837, ClinGen allele CA8842976.
Genomic context (GRCh38, chr17:81,855,509, plus strand): 5'-CTACCTTGAAGAAGCCGATGACAGCCACCTCGCTGGACTCCACCAAGGACTCTGCAGCTG[C>T]GCCGTCAGGCAGGGTGGTGGCAGCCGGGCCCGTGCGCTTCTTCAGCCAGTTCACGATGTC-3'
Protein context (NP_000909.2, residues 134-154): GPAATTLPDG[Ala144Thr]AAESLVESSE